The following is an entry in ClinVar:

NM_015425.6(POLR1A):c.4534A>G (p.Ile1512Val)

Gene: POLR1A (RNA polymerase I subunit A; minus strand). Cytogenetic location: 2p11.2.
Variant type: single nucleotide variant.
Coding change: c.4534A>G on transcript NM_015425.6 (MANE Select); coding-DNA position 4534, A replaced by G.
Protein change: p.Ile1512Val; replaces isoleucine 1512 with valine.
Molecular consequence: missense variant.
Genome position (GRCh38, 1-based): chr2:86,031,374, T>C on the plus strand (A>G on the coding strand, the complement: POLR1A is on the minus strand). VCF-style: chr2-86031374-T-C. GRCh37 (hg19) VCF-style: chr2-86258497-T-C.
Other names: short protein forms I1512V.
Identifiers: ClinVar variation 2814119 (VCV002814119.3), dbSNP rs1672383820, ClinGen allele CA347546013.

ClinVar aggregate classification (germline): Uncertain significance (1 of 4 stars; one submission).

Submission:

Labcorp Genetics (formerly Invitae), Labcorp
Classification: Uncertain significance. Last evaluated: 2022-12-13. Review status: criteria provided, single submitter. Criteria: Invitae Variant Classification Sherloc (09022015). Collection method: clinical testing. Allele origin: germline.
Comment: This sequence change replaces isoleucine, which is neutral and non-polar, with valine, which is neutral and non-polar, at codon 1512 of the POLR1A protein (p.Ile1512Val). In summary, the available evidence is currently insufficient to determine the role of this variant in disease. Therefore, it has been classified as a Variant of Uncertain Significance. Advanced modeling of protein sequence and biophysical properties (such as structural, functional, and spatial information, amino acid conservation, physicochemical variation, residue mobility, and thermodynamic stability) performed at Invitae indicates that this missense variant is not expected to disrupt POLR1A protein function. This variant has not been reported in the literature in individuals affected with POLR1A-related conditions. This variant is not present in population databases (gnomAD no frequency).